The following is an entry in ClinVar:

NM_001735.3(C5):c.3364del (p.Ser1122fs)

Gene: C5 (complement C5; minus strand). Cytogenetic location: 9q33.2.
Variant type: Deletion.
Coding change: c.3364del on transcript NM_001735.3 (MANE Select); coding-DNA position 3364, one base deleted (T; older notation c.3364delT).
Protein change: p.Ser1122fs; shifts the reading frame from serine 1122.
Molecular consequence: frameshift variant.
Genome position (GRCh38, 1-based): chr9:120,982,681, A deleted on the plus strand (T on the coding strand, the reverse complement: C5 is on the minus strand); the first of 2 consecutive A bases (chr9:120,982,681-120,982,682); deleting either gives the same sequence. VCF-style (leftmost placement, unchanged base first): chr9-120982680-GA-G. GRCh37 (hg19) VCF-style: chr9-123744958-GA-G.
Other names: c.3382del, p.Ser1128fs (NM_001317163.2); short protein forms S1122fs, S1128fs.
Identifiers: ClinVar variation 2041097 (VCV002041097.4), dbSNP rs1172785743, ClinGen allele CA466935152.
Genomic context (GRCh38, chr9:120,982,680, plus strand): 5'-AAACTATTGCTAATTTGTGCATTTGGTTTCCTTACCTGTAATTTTATTGGTTGATACTGT[GA>G]ATTTTCCTTGAAAGATCCATTATCTAATTGATAATTCTCAACTAGCCACAATAAAGAATT-3'

ClinVar aggregate classification (germline): Pathogenic (1 of 4 stars; one submission).

Submission:

Labcorp Genetics (formerly Invitae), Labcorp
Classification: Pathogenic. Last evaluated: 2022-07-06. Review status: criteria provided, single submitter. Criteria: Invitae Variant Classification Sherloc (09022015). Collection method: clinical testing. Allele origin: germline.
Comment: This sequence change creates a premature translational stop signal (p.Ser1122Hisfs*6) in the C5 gene. It is expected to result in an absent or disrupted protein product. Loss-of-function variants in C5 are known to be pathogenic (PMID: 7730648, 19414197, 27026170). This variant is present in population databases (no rsID available, gnomAD no frequency). This variant has not been reported in the literature in individuals affected with C5-related conditions. For these reasons, this variant has been classified as Pathogenic.

Literature cited by the submitters: PubMed 7730648; PubMed 19414197; PubMed 27026170.